The following is an entry in ClinVar:

ClinVar aggregate classification (germline): Uncertain significance (1 of 4 stars; one submission).

Submission:

Labcorp Genetics (formerly Invitae), Labcorp
Classification: Uncertain significance. Last evaluated: 2025-08-21. Review status: criteria provided, single submitter. Criteria: Invitae Variant Classification Sherloc (09022015). Collection method: clinical testing. Allele origin: germline.
Comment: This sequence change falls in intron 4 of the NEDD4L gene. It does not directly change the encoded amino acid sequence of the NEDD4L protein. It affects a nucleotide within the consensus splice site. This variant is not present in population databases (gnomAD no frequency). This variant has not been reported in the literature in individuals affected with NEDD4L-related conditions. ClinVar contains an entry for this variant (Variation ID: 1408419). Variants that disrupt the consensus splice site are a relatively common cause of aberrant splicing (PMID: 17576681, 9536098). Algorithms developed to predict the effect of sequence changes on RNA splicing suggest that this variant may disrupt the consensus splice site. In summary, the available evidence is currently insufficient to determine the role of this variant in disease. Therefore, it has been classified as a Variant of Uncertain Significance.

Literature cited by the submitters: PubMed 17576681; PubMed 9536098.

NM_001144967.3(NEDD4L):c.243+3_243+6del

Gene: NEDD4L (NEDD4 like E3 ubiquitin protein ligase; plus strand). Cytogenetic location: 18q21.31.
Variant type: Deletion.
Coding change: c.243+3_243+6del on transcript NM_001144967.3 (MANE Select); bases 3 to 6 of the intron after coding-DNA position 243, 4 bases deleted (AAGT; older notation c.243+3_243+6delAAGT).
Molecular consequence: splice donor variant.
Genome position (GRCh38, 1-based): chr18:58,248,940-58,248,943, AAGT deleted; deleting any 4 consecutive bases within chr18:58,248,938-58,248,943 gives the same sequence; the c. name uses the placement nearest the transcript's 3' end. VCF-style (leftmost placement, unchanged base first): chr18-58248937-GGTAA-G. GRCh37 (hg19) VCF-style: chr18-55916169-GGTAA-G.
Other names: c.243+3_243+6del (NM_015277.6, NM_001243960.2); c.-121+3_-121+6del (NM_001144964.1, NM_001144971.2, NM_001144965.2 and 2 more transcripts); c.219+3_219+6del (NM_001144968.2, NM_001144969.2).
Identifiers: ClinVar variation 1408419 (VCV001408419.6), dbSNP rs1281410337, ClinGen allele CA780878270.